The following is an entry in ClinVar:

NM_000497.4(CYP11B1):c.425T>A (p.Leu142Ter)

Genes: CYP11B1 (cytochrome P450 family 11 subfamily B member 1; minus strand), LOC106799833 (CYP11B1 recombination region; plus strand). Cytogenetic location: 8q24.3.
Variant type: single nucleotide variant.
Coding change: c.425T>A on transcript NM_000497.4 (MANE Select); coding-DNA position 425, T replaced by A.
Protein change: p.Leu142Ter; replaces leucine 142 with a stop codon.
Molecular consequence: nonsense.
Genome position (GRCh38, 1-based): chr8:142,877,193, A>T on the plus strand (T>A on the coding strand, the complement: CYP11B1 is on the minus strand). VCF-style: chr8-142877193-A-T. GRCh37 (hg19) VCF-style: chr8-143958609-A-T.
Other names: c.425T>A, p.Leu142Ter (NM_001026213.1); short protein forms L142*.
Identifiers: ClinVar variation 984082 (VCV000984082.3), dbSNP rs1479660166, ClinGen allele CA372396179.

ClinVar aggregate classification (germline): Likely pathogenic (1 of 4 stars; one submission).

Conditions:
Deficiency of steroid 11-beta-monooxygenase (CYP11B1). Also called: ADRENAL HYPERPLASIA, CONGENITAL, DUE TO STEROID 11-BETA-HYDROXYLASE DEFICIENCY; 11-BETA-HYDROXYLASE DEFICIENCY; P450C11B1 DEFICIENCY; STEROID 11-BETA-HYDROXYLASE DEFICIENCY; Congenital adrenal hyperplasia due to 11-beta-hydroxylase deficiency; ADRENAL HYPERPLASIA IV. Identifiers: Orphanet 90795, MedGen C0268292, MONDO:0008729, OMIM 202010. Disease mechanism: loss of function.

Submission:

Myriad Genetics, Inc.
Classification: Likely pathogenic for Deficiency of steroid 11-beta-monooxygenase. Last evaluated: 2019-08-26. Review status: criteria provided, single submitter. Criteria: Myriad Women's Health Autosomal Recessive and X-Linked Classification Criteria (2019). Collection method: clinical testing. Allele origin: unknown.
Comment: NM_000497.3(CYP11B1):c.425T>A(L142*) is expected to be pathogenic in the context of 11-beta-hydroxylase-deficient congenital adrenal hyperplasia. This variant is predicted to lead to an abnormal or absent protein product due to the creation of a premature termination codon in CYP11B1, a gene where loss-of-function variants are known to be pathogenic. Please note: this variant was assessed in the context of healthy population screening.